The following is an entry in ClinVar:

NM_001080397.3(SLC45A1):c.726A>C (p.Gly242=)

Gene: SLC45A1 (solute carrier family 45 member 1; plus strand). Cytogenetic location: 1p36.23.
Variant type: single nucleotide variant.
Coding change: c.726A>C on transcript NM_001080397.3 (MANE Select); coding-DNA position 726, A replaced by C.
Protein change: p.Gly242=; no amino-acid change (glycine 242 retained).
Molecular consequence: synonymous variant.
Genome position (GRCh38, 1-based): chr1:8,330,219, A>C. VCF-style: chr1-8330219-A-C. GRCh37 (hg19) VCF-style: chr1-8390279-A-C.
Other names: c.726A>C, p.Gly242= (NM_001379614.1); c.633A>C, p.Gly211= (NM_001379615.1, NM_001379616.1); c.120A>C, p.Gly40= (NM_001379617.1, NM_001379618.1).
Identifiers: ClinVar variation 4533560 (VCV004533560.7).

ClinVar aggregate classification (germline): Likely benign. Review status: criteria provided, multiple submitters, no conflicts (2 of 4 stars). 2 submissions from 2 submitters: Likely benign (2). Last evaluated 2025-11-01.

gnomAD v4.1: 882 of 1,612,528 alleles (0.055%); highest among the groups gnomAD compares: Middle Eastern, 0.099%; 2 homozygotes.

Submissions (2):

CeGaT Center for Human Genetics Tuebingen
Classification: Likely benign. Last evaluated: 2025-11-01. Review status: criteria provided, single submitter. Criteria: CeGaT Center For Human Genetics Tuebingen Variant Classification Criteria Version 2. Collection method: clinical testing. Allele origin: germline. Affected: yes. Observed: 1 variant allele.
Comment: SLC45A1: BP4, BP7

Blueprint Genetics
Classification: Likely benign. Last evaluated: 2024-11-08. Review status: criteria provided, single submitter. Criteria: ACMG Guidelines, 2015. Collection method: clinical testing. Allele origin: germline.